The following is an entry in ClinVar:

ClinVar aggregate classification (germline): Uncertain significance (1 of 4 stars; one submission).

Conditions:
Hereditary cancer-predisposing syndrome. Also called: Neoplastic Syndromes, Hereditary; Tumor predisposition; Hereditary Cancer Syndrome; Hereditary neoplastic syndrome. Identifiers: Orphanet 140162, MedGen C0027672, MeSH D009386, MONDO:0015356.

gnomAD v4.1: 1 of 1,614,160 alleles (0.000062%); highest among the groups gnomAD compares: South Asian, 0.0011%; no homozygotes.

Submission:

Ambry Genetics
Classification: Uncertain significance for Hereditary cancer-predisposing syndrome. Last evaluated: 2025-12-03. Review status: criteria provided, single submitter. Criteria: Ambry Variant Classification Scheme 2023. Collection method: clinical testing. Allele origin: germline.
Comment: The p.L526V variant (also known as c.1576T>G), located in coding exon 9 of the ATM gene, results from a T to G substitution at nucleotide position 1576. The leucine at codon 526 is replaced by valine, an amino acid with highly similar properties. This amino acid position is conserved. In addition, this alteration is predicted to be tolerated by in silico analysis. Based on the available evidence, the clinical significance of this variant remains unclear.

NM_000051.4(ATM):c.1576T>G (p.Leu526Val)

Gene: ATM (ATM serine/threonine kinase; plus strand). Cytogenetic location: 11q22.3.
Variant type: single nucleotide variant.
Coding change: c.1576T>G on transcript NM_000051.4 (MANE Select); coding-DNA position 1576, T replaced by G.
Protein change: p.Leu526Val; replaces leucine 526 with valine.
Molecular consequence: missense variant.
Genome position (GRCh38, 1-based): chr11:108,251,041, T>G. VCF-style: chr11-108251041-T-G. GRCh37 (hg19) VCF-style: chr11-108121768-T-G.
Other names: c.1576T>G, p.Leu526Val (NM_001351834.2); short protein forms L526V.
Identifiers: ClinVar variation 4618675 (VCV004618675.1).